The following is an entry in ClinVar:

Single allele

Genes: OR11H12 (olfactory receptor family 11 subfamily H member 12; plus strand), OR11H2 (olfactory receptor family 11 subfamily H member 2; minus strand), OR4K1 (olfactory receptor family 4 subfamily K member 1; plus strand), OR4K2 (olfactory receptor family 4 subfamily K member 2; plus strand), OR4K5 (olfactory receptor family 4 subfamily K member 5; plus strand) and 6 more. Cytogenetic location: 14q11.2.
Variant type: Duplication.
Identifiers: ClinVar variation 157298 (VCV000157298.2).

ClinVar aggregate classification (germline): not provided (0 of 4 stars; one submission).

Conditions:
Large for gestational age. Identifiers: MedGen C1848395, HP:0001520.

Submission:

Institute of Molecular and Cell Biology, University of Tartu
No classification provided. Condition: Large for gestational age. Review status: no classification provided. Collection method: case-control. Allele origin: unknown. Affected: yes. Study: Kasak2014.
Comment: The study aimed to determine the contribution of copy number variants in the genetic etiology of normal and complicated pregnancies. The samples represented (i) maternal blood DNA drawn from healthy pregnant women during 1st or 2nd trimester and (ii) maternal and paternal blood DNA drawn at term pregnancy cases representing normal and complicated gestations (severe preeclampsia, PE; gestational diabetes, GD; small-for-gestational age newborn, SGA; large-for-gestational age newborn, LGA). We performed CNV calling based on genome-wide genotyping dataset (Illumina HumanOmniExpress-24-v1 BeadChip) by applying three algorithms, QuantiSNP, GADA (Genome Alteration Detection Algorithm) and CNstream in parallel. The acquired CNV calls were merged with HD-CNV (Hotspot Detector for Copy Number Variants) program and only the CNVs predicted by at least two programs, were considered in subsequent analysis.

Literature cited by the submitters: PubMed 25666259.